The following is an entry in ClinVar:

ClinVar aggregate classification (germline): Pathogenic (1 of 4 stars; one submission).

Submission:

Labcorp Genetics (formerly Invitae), Labcorp
Classification: Pathogenic. Last evaluated: 2021-04-30. Review status: criteria provided, single submitter. Criteria: Invitae Variant Classification Sherloc (09022015). Collection method: clinical testing. Allele origin: germline.
Comment: For these reasons, this variant has been classified as Pathogenic. This variant has not been reported in the literature in individuals with DNAH9-related conditions. The frequency data for this variant in the population databases is considered unreliable, as metrics indicate poor data quality at this position in the ExAC database. This sequence change creates a premature translational stop signal (p.Met2071Ilefs*8) in the DNAH9 gene. It is expected to result in an absent or disrupted protein product. Loss-of-function variants in DNAH9 are known to be pathogenic (PMID: 30471718).

Literature cited by the submitters: PubMed 30471718.

NM_001372.4(DNAH9):c.6213_6228del (p.Met2071fs)

Gene: DNAH9 (dynein axonemal heavy chain 9; plus strand). Cytogenetic location: 17p12.
Variant type: Deletion.
Coding change: c.6213_6228del on transcript NM_001372.4 (MANE Select); coding-DNA positions 6213 to 6228, 16 bases deleted (GCGCTCCTTGCGGGAT).
Protein change: p.Met2071fs; shifts the reading frame from methionine 2071.
Molecular consequence: frameshift variant.
Genome position (GRCh38, 1-based): chr17:11,744,898-11,744,913, GCGCTCCTTGCGGGAT deleted; deleting any 16 consecutive bases within chr17:11,744,895-11,744,913 gives the same sequence; the c. name uses the placement nearest the transcript's 3' end. VCF-style (leftmost placement, unchanged base first): chr17-11744894-TGATGCGCTCCTTGCGG-T. GRCh37 (hg19) VCF-style: chr17-11648211-TGATGCGCTCCTTGCGG-T.
Other names: short protein forms M2071fs.
Identifiers: ClinVar variation 1442938 (VCV001442938.6), dbSNP rs747572654, ClinGen allele CA8396243.
Genomic context (GRCh38, chr17:11,744,894, plus strand): 5'-TGCTGGTGGTGGCAGGATCCCTGAAGAGAGGAGACCCTGACCGGCCTGAGGACCAGGTCC[TGATGCGCTCCTTGCGG>T]GATTTCAACATCCCCAAGATTGTGACTGATGACATGCCCATCTTCATGGGCCTGATCGGG-3'